The following is an entry in ClinVar:

NM_001367624.2(ZNF469):c.3275A>G (p.Tyr1092Cys)

Genes: ZNF469 (zinc finger protein 469; plus strand), LOC130059718 (ATAC-STARR-seq lymphoblastoid silent region 7847; plus strand). Cytogenetic location: 16q24.2.
Variant type: single nucleotide variant.
Coding change: c.3275A>G on transcript NM_001367624.2 (MANE Select); coding-DNA position 3275, A replaced by G.
Protein change: p.Tyr1092Cys; replaces tyrosine 1092 with cysteine.
Molecular consequence: missense variant.
Genome position (GRCh38, 1-based): chr16:88,430,745, A>G. VCF-style: chr16-88430745-A-G. GRCh37 (hg19) VCF-style: chr16-88497153-A-G.
Other names: NM_001127464.1:c.3191A>G; short protein forms Y1092C.
Identifiers: ClinVar variation 1309012 (VCV001309012.2), dbSNP rs2142303683, ClinGen allele CA397079452.

ClinVar aggregate classification (germline): Uncertain significance (1 of 4 stars; one submission).

Submission:

GeneDx
Classification: Uncertain significance. Last evaluated: 2019-10-01. Review status: criteria provided, single submitter. Criteria: GeneDx Variant Classification Process June 2021. Collection method: clinical testing. Allele origin: germline. Affected: yes.
Comment: Has not been previously published as pathogenic or benign to our knowledge; In silico analysis, which includes protein predictors and evolutionary conservation, supports that this variant does not alter protein structure/function; Not observed in large population cohorts (Lek et al., 2016)